The following is an entry in ClinVar:

ClinVar aggregate classification (germline): Likely benign (1 of 4 stars; one submission).

gnomAD v4.1: 17 of 1,611,878 alleles (0.0011%); highest among the groups gnomAD compares: Non-Finnish European, 0.0012%; no homozygotes.

Submission:

CeGaT Center for Human Genetics Tuebingen
Classification: Likely benign. Last evaluated: 2026-08-01. Review status: criteria provided, single submitter. Criteria: CeGaT Center For Human Genetics Tuebingen Variant Classification Criteria Version 2. Collection method: clinical testing. Allele origin: germline. Affected: yes. Observed: 1 variant allele.
Comment: HS6ST1: BS2

NM_004807.3(HS6ST1):c.1133G>C (p.Arg378Pro)

Gene: HS6ST1 (heparan sulfate 6-O-sulfotransferase 1; minus strand). Cytogenetic location: 2q14.3.
Variant type: single nucleotide variant.
Coding change: c.1133G>C on transcript NM_004807.3 (MANE Select); coding-DNA position 1133, G replaced by C.
Protein change: p.Arg378Pro; replaces arginine 378 with proline.
Molecular consequence: missense variant.
Genome position (GRCh38, 1-based): chr2:128,268,265, C>G on the plus strand (G>C on the coding strand, the complement: HS6ST1 is on the minus strand). VCF-style: chr2-128268265-C-G. GRCh37 (hg19) VCF-style: chr2-129025839-C-G.
Other names: short protein forms R378P.
Identifiers: ClinVar variation 5039640 (VCV005039640.1).